The following is an entry in ClinVar:

NM_015175.3(NBEAL2):c.5497G>A (p.Glu1833Lys)

Gene: NBEAL2 (neurobeachin like 2; plus strand). Cytogenetic location: 3p21.31.
Variant type: single nucleotide variant.
Coding change: c.5497G>A on transcript NM_015175.3 (MANE Select); coding-DNA position 5497, G replaced by A.
Protein change: p.Glu1833Lys; replaces glutamic acid 1833 with lysine.
Molecular consequence: missense variant.
Genome position (GRCh38, 1-based): chr3:47,002,994, G>A. VCF-style: chr3-47002994-G-A. GRCh37 (hg19) VCF-style: chr3-47044484-G-A.
Other names: c.5395G>A, p.Glu1799Lys (NM_001365116.2); short protein forms E1799K, E1833K.
Identifiers: ClinVar variation 1684445 (VCV001684445.1), dbSNP rs1341020147, ClinGen allele CA352525943.

ClinVar aggregate classification (germline): Likely pathogenic (0 of 4 stars; one submission).

Conditions:
Gray platelet syndrome (GPS). Also called: BLEEDING DISORDER, PLATELET-TYPE, 4. Identifiers: Orphanet 721, MedGen C0272302, MONDO:0007686, OMIM 139090.

Allele frequency attached by ClinVar (database versions not stated): gnomAD exomes below 0.00001; gnomAD 0.00001; TOPMed 0.00001.
gnomAD v4.1: 7 of 1,613,346 alleles (0.00043%); highest among the groups gnomAD compares: Non-Finnish European, 0.00059%; no homozygotes.

Submission:

ISTH-SSC Genomics in Thrombosis and Hemostasis, KU Leuven, Center for Molecular and Vascular Biology
Classification: Likely pathogenic for Gray platelet syndrome. Review status: no assertion criteria provided. Collection method: research. Allele origin: unknown. Affected: yes.
Comment: Submitted to GoldVariant by Dr Marie-Christine Morel-Kopp from Northern Blood Research Centre, Sydney, Australia